The following is an entry in ClinVar:

ClinVar aggregate classification (germline): Likely pathogenic (1 of 4 stars; one submission).

Conditions:
Bloom syndrome (BLM). Also called: Bloom-Torre-Machacek syndrome. Identifiers: Orphanet 125, MedGen C0005859, MONDO:0008876, OMIM 210900.

Submission:

Labcorp Genetics (formerly Invitae), Labcorp
Classification: Likely pathogenic for Bloom syndrome. Last evaluated: 2024-02-13. Review status: criteria provided, single submitter. Criteria: Invitae Variant Classification Sherloc (09022015). Collection method: clinical testing. Allele origin: germline.
Comment: This sequence change affects a donor splice site in intron 6 of the BLM gene. It is expected to disrupt RNA splicing. Variants that disrupt the donor or acceptor splice site typically lead to a loss of protein function (PMID: 16199547), and loss-of-function variants in BLM are known to be pathogenic (PMID: 17407155). This variant is not present in population databases (gnomAD no frequency). This variant has not been reported in the literature in individuals affected with BLM-related conditions. Algorithms developed to predict the effect of sequence changes on RNA splicing suggest that this variant may disrupt the consensus splice site. In summary, the currently available evidence indicates that the variant is pathogenic, but additional data are needed to prove that conclusively. Therefore, this variant has been classified as Likely Pathogenic.

Literature cited by the submitters: PubMed 16199547; PubMed 17407155.

NM_000057.4(BLM):c.1220+1G>C

Gene: BLM (BLM RecQ like helicase; plus strand). Cytogenetic location: 15q26.1.
Variant type: single nucleotide variant.
Coding change: c.1220+1G>C on transcript NM_000057.4 (MANE Select); the canonical splice donor site of the intron after coding-DNA position 1220, G replaced by C.
Molecular consequence: splice donor variant.
Genome position (GRCh38, 1-based): chr15:90,760,280, G>C. VCF-style: chr15-90760280-G-C. GRCh37 (hg19) VCF-style: chr15-91303510-G-C.
Other names: c.1220+1G>C (NM_001287246.2, NM_001287247.2); c.95+1G>C (NM_001287248.2).
Identifiers: ClinVar variation 3640579 (VCV003640579.2).
Genomic context (GRCh38, chr15:90,760,280, plus strand): 5'-TGATGATAAACTGAAACTTTTGGATTGTGGGAACGAACTGCTTCAGCAGCGGAACATAAG[G>C]TATCTTAATTTTCCCCCTTCTGGAATATATCTGATTATATTTCTACCACTCTAAGTGAAA-3'